The following is an entry in ClinVar:

ClinVar aggregate classification (germline): Likely pathogenic (1 of 4 stars; one submission).

Conditions:
Deficiency of alpha-mannosidase (MANSA). Also called: LYSOSOMAL ALPHA-D-MANNOSIDASE DEFICIENCY; Mannosidosis, alpha-, types I and II; Alpha-Mannosidosis. Identifiers: Orphanet 61, MedGen C0024748, MONDO:0009561, OMIM 248500.

Allele frequency attached by ClinVar (database versions not stated): gnomAD exomes below 0.00001.
gnomAD v4.1: 1 of 1,614,172 alleles (0.000062%); highest among the groups gnomAD compares: Non-Finnish European, 0.000085%; no homozygotes.

Submission:

Labcorp Genetics (formerly Invitae), Labcorp
Classification: Likely pathogenic for Deficiency of alpha-mannosidase. Last evaluated: 2023-03-27. Review status: criteria provided, single submitter. Criteria: Invitae Variant Classification Sherloc (09022015). Collection method: clinical testing. Allele origin: germline.
Comment: This sequence change affects an acceptor splice site in intron 2 of the MAN2B1 gene. It is expected to disrupt RNA splicing. Variants that disrupt the donor or acceptor splice site typically lead to a loss of protein function (PMID: 16199547), and loss-of-function variants in MAN2B1 are known to be pathogenic (PMID: 9915946, 22161967). This variant is not present in population databases (gnomAD no frequency). Disruption of this splice site has been observed in individual(s) with alpha mannosidosis (PMID: 29859105). Algorithms developed to predict the effect of sequence changes on RNA splicing suggest that this variant may disrupt the consensus splice site. In summary, the currently available evidence indicates that the variant is pathogenic, but additional data are needed to prove that conclusively. Therefore, this variant has been classified as Likely Pathogenic.

Literature cited by the submitters: PubMed 16199547; PubMed 9915946; PubMed 22161967; PubMed 29859105.

NM_000528.4(MAN2B1):c.263-2A>C

Gene: MAN2B1 (mannosidase alpha class 2B member 1; minus strand). Cytogenetic location: 19p13.13.
Variant type: single nucleotide variant.
Coding change: c.263-2A>C on transcript NM_000528.4 (MANE Select); the canonical splice acceptor site of the intron before coding-DNA position 263, A replaced by C.
Molecular consequence: splice acceptor variant.
Genome position (GRCh38, 1-based): chr19:12,665,527, T>G on the plus strand (A>C on the coding strand, the complement: MAN2B1 is on the minus strand). VCF-style: chr19-12665527-T-G. GRCh37 (hg19) VCF-style: chr19-12776341-T-G.
Other names: c.263-2A>C (NM_001173498.2).
Identifiers: ClinVar variation 2910452 (VCV002910452.3), dbSNP rs2512516719, ClinGen allele CA404257623.
Genomic context (GRCh38, chr19:12,665,527, plus strand): 5'-GGCAGAGATGACCGAGTCCAGGATGTACTGCACACCGGCGTGCTGGATGTCATTCTTGAC[T>G]GTGGATAACAGGGATAAGGCTCTCAGGGAACAGCAGAGCCAAGGGGGTTATTCCTAGACA-3'